The following is an entry in ClinVar:

NM_024915.4(GRHL2):c.925_926del (p.Asn309fs)

Gene: GRHL2 (grainyhead like transcription factor 2; plus strand). Cytogenetic location: 8q22.3.
Variant type: Deletion.
Coding change: c.925_926del on transcript NM_024915.4 (MANE Select); coding-DNA positions 925 to 926, 2 bases deleted (AA; older notation c.925_926delAA).
Protein change: p.Asn309fs; shifts the reading frame from asparagine 309.
Molecular consequence: frameshift variant.
Genome position (GRCh38, 1-based): chr8:101,577,441-101,577,442, AA deleted; deleting any 2 consecutive bases within chr8:101,577,438-101,577,442 gives the same sequence; the c. name uses the placement nearest the transcript's 3' end. VCF-style (leftmost placement, unchanged base first): chr8-101577437-CAA-C. GRCh37 (hg19) VCF-style: chr8-102589665-CAA-C.
Other names: c.877_878del, p.Asn293fs (NM_001330593.2); short protein forms N309fs, N293fs.
Identifiers: ClinVar variation 3662386 (VCV003662386.2).

ClinVar aggregate classification (germline): Pathogenic (1 of 4 stars; one submission).

Submission:

Labcorp Genetics (formerly Invitae), Labcorp
Classification: Pathogenic. Last evaluated: 2024-08-14. Review status: criteria provided, single submitter. Criteria: Invitae Variant Classification Sherloc (09022015). Collection method: clinical testing. Allele origin: germline.
Comment: This sequence change creates a premature translational stop signal (p.Asn309Glnfs*3) in the GRHL2 gene. It is expected to result in an absent or disrupted protein product. Loss-of-function variants in GRHL2 are known to be pathogenic (PMID: 12393799, 27911912). This variant is not present in population databases (gnomAD no frequency). This variant has not been reported in the literature in individuals affected with GRHL2-related conditions. For these reasons, this variant has been classified as Pathogenic.

Literature cited by the submitters: PubMed 12393799; PubMed 27911912.